The following is an entry in ClinVar:

NM_001903.5(CTNNA1):c.1241A>G (p.Lys414Arg)

Gene: CTNNA1 (catenin alpha 1; plus strand). Cytogenetic location: 5q31.2.
Variant type: single nucleotide variant.
Coding change: c.1241A>G on transcript NM_001903.5 (MANE Select); coding-DNA position 1241, A replaced by G.
Protein change: p.Lys414Arg; replaces lysine 414 with arginine.
Molecular consequence: missense variant. On other transcripts: 5 prime UTR variant (5), intron variant (2).
Genome position (GRCh38, 1-based): chr5:138,887,587, A>G. VCF-style: chr5-138887587-A-G. GRCh37 (hg19) VCF-style: chr5-138223276-A-G.
Other names: c.1241A>G, p.Lys414Arg (NM_001290307.3, NM_001323982.2, NM_001323983.1 and 3 more transcripts); c.932A>G, p.Lys311Arg (NM_001290309.3); c.872A>G, p.Lys291Arg (NM_001290310.3); c.131A>G, p.Lys44Arg (NM_001290312.1, NM_001323987.1, NM_001323988.1 and 18 more transcripts); c.-267A>G (NM_001324006.1, NM_001324007.1, NM_001324008.1 and 1 more transcripts); c.-142A>G (NM_001324013.1); c.-58+11990A>G (NM_001324012.1); c.-61+11990A>G (NM_001324010.1); short protein forms K291R, K311R, K414R, K44R.
Identifiers: ClinVar variation 3221873 (VCV003221873.1), dbSNP rs2533015240, ClinGen allele CA361133149.

ClinVar aggregate classification (germline): Uncertain significance (1 of 4 stars; one submission).

Conditions:
Hereditary cancer-predisposing syndrome. Also called: Tumor predisposition; Hereditary neoplastic syndrome; Hereditary Cancer Syndrome; Neoplastic Syndromes, Hereditary. Identifiers: Orphanet 140162, MedGen C0027672, MeSH D009386, MONDO:0015356.

Submission:

Ambry Genetics
Classification: Uncertain significance for Hereditary cancer-predisposing syndrome. Last evaluated: 2024-01-13. Review status: criteria provided, single submitter. Criteria: Ambry Variant Classification Scheme 2023. Collection method: clinical testing. Allele origin: germline.
Comment: The p.K414R variant (also known as c.1241A>G), located in coding exon 8 of the CTNNA1 gene, results from an A to G substitution at nucleotide position 1241. The lysine at codon 414 is replaced by arginine, an amino acid with highly similar properties. This amino acid position is conserved. In addition, this alteration is predicted to be tolerated by in silico analysis. Since supporting evidence is limited at this time, the clinical significance of this alteration remains unclear.